The following is an entry in ClinVar:

NM_017849.4(TMEM127):c.133T>C (p.Cys45Arg)

Gene: TMEM127 (transmembrane protein 127; minus strand). Cytogenetic location: 2q11.2.
Variant type: single nucleotide variant.
Coding change: c.133T>C on transcript NM_017849.4 (MANE Select); coding-DNA position 133, T replaced by C.
Protein change: p.Cys45Arg; replaces cysteine 45 with arginine.
Molecular consequence: missense variant. On other transcripts: intron variant (1).
Genome position (GRCh38, 1-based): chr2:96,265,249, A>G on the plus strand (T>C on the coding strand, the complement: TMEM127 is on the minus strand). VCF-style: chr2-96265249-A-G. GRCh37 (hg19) VCF-style: chr2-96930987-A-G.
Other names: c.133T>C, p.Cys45Arg (NM_001193304.3); c.-9+620T>C (NM_001407283.1); short protein forms C45R.
Identifiers: ClinVar variation 3651419 (VCV003651419.2).

ClinVar aggregate classification (germline): Uncertain significance (1 of 4 stars; one submission).

Conditions:
Hereditary pheochromocytoma and paraganglioma. Also called: Hereditary paragangliomas and pheochromocytomas; Hereditary Paraganglioma-Pheochromocytoma Syndromes; Hereditary pheochromocytoma-paraganglioma. Identifiers: Orphanet 29072, MedGen C4274332, MONDO:0017366.

Submission:

Labcorp Genetics (formerly Invitae), Labcorp
Classification: Uncertain significance for Hereditary pheochromocytoma and paraganglioma. Last evaluated: 2024-04-29. Review status: criteria provided, single submitter. Criteria: Invitae Variant Classification Sherloc (09022015). Collection method: clinical testing. Allele origin: germline.
Comment: This sequence change replaces cysteine, which is neutral and slightly polar, with arginine, which is basic and polar, at codon 45 of the TMEM127 protein (p.Cys45Arg). This variant is not present in population databases (gnomAD no frequency). This variant has not been reported in the literature in individuals affected with TMEM127-related conditions. An algorithm developed to predict the effect of missense changes on protein structure and function (PolyPhen-2) suggests that this variant is likely to be tolerated. In summary, the available evidence is currently insufficient to determine the role of this variant in disease. Therefore, it has been classified as a Variant of Uncertain Significance.